The following is an entry in ClinVar:

ClinVar aggregate classification (germline): Uncertain significance (1 of 4 stars; one submission).

Allele frequency attached by ClinVar (database versions not stated): gnomAD exomes below 0.00001; TOPMed below 0.00001.

Submission:

Labcorp Genetics (formerly Invitae), Labcorp
Classification: Uncertain significance. Last evaluated: 2025-08-18. Review status: criteria provided, single submitter. Criteria: Invitae Variant Classification Sherloc (09022015). Collection method: clinical testing. Allele origin: germline.
Comment: This sequence change replaces proline, which is neutral and non-polar, with serine, which is neutral and polar, at codon 879 of the ARHGEF1 protein (p.Pro879Ser). This variant is not present in population databases (gnomAD no frequency). This variant has not been reported in the literature in individuals affected with ARHGEF1-related conditions. ClinVar contains an entry for this variant (Variation ID: 1382946). An algorithm developed to predict the effect of missense changes on protein structure and function outputs the following: PolyPhen-2: "Benign". The serine amino acid residue is found in multiple mammalian species, which suggests that this missense change does not adversely affect protein function. In summary, the available evidence is currently insufficient to determine the role of this variant in disease. Therefore, it has been classified as a Variant of Uncertain Significance.

NM_004706.4(ARHGEF1):c.2590C>T (p.Pro864Ser)

Gene: ARHGEF1 (Rho guanine nucleotide exchange factor 1; plus strand). Cytogenetic location: 19q13.2.
Variant type: single nucleotide variant.
Coding change: c.2590C>T on transcript NM_004706.4 (MANE Select); coding-DNA position 2590, C replaced by T.
Protein change: p.Pro864Ser; replaces proline 864 with serine.
Molecular consequence: missense variant.
Genome position (GRCh38, 1-based): chr19:41,906,555, C>T. VCF-style: chr19-41906555-C-T. GRCh37 (hg19) VCF-style: chr19-42410707-C-T.
Other names: c.2491C>T, p.Pro831Ser (NM_198977.2); c.2635C>T, p.Pro879Ser (NM_199002.2); short protein forms P831S, P864S, P879S.
Identifiers: ClinVar variation 1382946 (VCV001382946.6), dbSNP rs2074700439, ClinGen allele CA406069855.
Genomic context (GRCh38, chr19:41,906,555, plus strand): 5'-GACAATGGGGCGGGGCCTCCTCGAGATGGGGATGGGGTCCCAGGGGGCGGCCCCCTGAGC[C>T]CAGCACGGACCCAGGAAATCCAGGAGAACCTGCTCAGCTTGGAGGAGACCATGAAGCAGC-3'
Protein context (NP_004697.2, residues 854-874): DGVPGGGPLS[Pro864Ser]ARTQEIQENL